The following is an entry in ClinVar:

NM_000264.5(PTCH1):c.1022T>A (p.Leu341Ter)

Gene: PTCH1 (patched 1; minus strand). Cytogenetic location: 9q22.32.
Variant type: single nucleotide variant.
Coding change: c.1022T>A on transcript NM_000264.5 (MANE Select); coding-DNA position 1022, T replaced by A.
Protein change: p.Leu341Ter; replaces leucine 341 with a stop codon.
Molecular consequence: nonsense. On other transcripts: non-coding transcript variant (1).
Genome position (GRCh38, 1-based): chr9:95,480,014, A>T on the plus strand (T>A on the coding strand, the complement: PTCH1 is on the minus strand). VCF-style: chr9-95480014-A-T. GRCh37 (hg19) VCF-style: chr9-98242296-A-T.
Other names: c.824T>A, p.Leu275Ter (NM_001083602.3); c.1019T>A, p.Leu340Ter (NM_001083603.3); c.569T>A, p.Leu190Ter (NM_001083604.3, NM_001083605.3, NM_001083606.3 and 1 more transcripts); c.1022T>A, p.Leu341Ter (NM_001354918.2); short protein forms L275*, L341*, L190*, L340*.
Identifiers: ClinVar variation 428819 (VCV000428819.3), dbSNP rs1131690970, ClinGen allele CA374119650.

ClinVar aggregate classification (germline): Pathogenic (1 of 4 stars; one submission).

Conditions:
Hereditary cancer-predisposing syndrome. Also called: Hereditary Cancer Syndrome; Neoplastic Syndromes, Hereditary; Hereditary neoplastic syndrome; Tumor predisposition. Identifiers: Orphanet 140162, MedGen C0027672, MeSH D009386, MONDO:0015356.

Submission:

Ambry Genetics
Classification: Pathogenic for Hereditary cancer-predisposing syndrome. Last evaluated: 2013-11-05. Review status: criteria provided, single submitter. Criteria: Ambry Autosomal Dominant and X-Linked criteria (10/2015). Collection method: clinical testing. Allele origin: germline. Observed: 1 variant allele.
Comment: The p.L341X variant (also known as c.1022T>A) is located in coding exon 7 of the PTCH1 gene. This alteration results from a T to A substitution at nucleotide position 1022.This changes the amino acid from a leucine to a stop codon within coding exon 7. Since premature stop codons are typically deleterious in nature, this alteration is interpreted as a disease-causing mutation (ACMG Recommendations for Standards for Interpretation and Reporting of Sequence Variations. Revision 2007. Genet Med. 2008;10:294).